The following is an entry in ClinVar:

NM_003073.5(SMARCB1):c.507T>A (p.Asp169Glu)

Gene: SMARCB1 (SWI/SNF related BAF chromatin remodeling complex subunit B1; plus strand). Cytogenetic location: 22q11.23.
Variant type: single nucleotide variant.
Coding change: c.507T>A on transcript NM_003073.5 (MANE Select); coding-DNA position 507, T replaced by A.
Protein change: p.Asp169Glu; replaces aspartic acid 169 with glutamic acid.
Molecular consequence: missense variant.
Genome position (GRCh38, 1-based): chr22:23,803,301, T>A. VCF-style: chr22-23803301-T-A. GRCh37 (hg19) VCF-style: chr22-24145488-T-A.
Other names: c.480T>A, p.Asp160Glu (NM_001007468.3); c.534T>A, p.Asp178Glu (NM_001317946.2); c.561T>A, p.Asp187Glu (NM_001362877.2); short protein forms D169E, D160E, D187E, D178E.
Identifiers: ClinVar variation 5029948 (VCV005029948.1).

ClinVar aggregate classification (germline): Uncertain significance (1 of 4 stars; one submission).

Conditions:
Hereditary cancer-predisposing syndrome. Also called: Neoplastic Syndromes, Hereditary; Tumor predisposition; Hereditary neoplastic syndrome; Hereditary Cancer Syndrome. Identifiers: Orphanet 140162, MedGen C0027672, MeSH D009386, MONDO:0015356.

Submission:

Ambry Genetics
Classification: Uncertain significance for Hereditary cancer-predisposing syndrome. Last evaluated: 2026-09-13. Review status: criteria provided, single submitter. Criteria: Ambry Variant Classification Scheme 2023. Collection method: clinical testing. Allele origin: germline.
Comment: The p.D169E variant (also known as c.507T>A), located in coding exon 5 of the SMARCB1 gene, results from a T to A substitution at nucleotide position 507. The aspartic acid at codon 169 is replaced by glutamic acid, an amino acid with highly similar properties. This amino acid position is conserved. In addition, this alteration is predicted to be deleterious by in silico analysis. Based on the available evidence, the clinical significance of this variant remains unclear.